The following is an entry in ClinVar:

ClinVar aggregate classification (germline): Pathogenic (1 of 4 stars; one submission).

Conditions:
Nemaline myopathy 2 (NEM2). Also called: Nemaline myopathy 2, autosomal recessive. Identifiers: MedGen C1850569, MONDO:0009725, OMIM 256030.

Submission:

Labcorp Genetics (formerly Invitae), Labcorp
Classification: Pathogenic for Nemaline myopathy 2. Last evaluated: 2022-10-03. Review status: criteria provided, single submitter. Criteria: Invitae Variant Classification Sherloc (09022015). Collection method: clinical testing. Allele origin: germline.
Comment: For these reasons, this variant has been classified as Pathogenic. This variant has not been reported in the literature in individuals affected with NEB-related conditions. This variant is not present in population databases (gnomAD no frequency). This sequence change creates a premature translational stop signal (p.Ser3071Glyfs*7) in the NEB gene. It is expected to result in an absent or disrupted protein product. Loss-of-function variants in NEB are known to be pathogenic (PMID: 25205138).

Literature cited by the submitters: PubMed 25205138.

NM_001164508.2(NEB):c.9211_9218del (p.Ser3071fs)

Gene: NEB (nebulin; minus strand). Cytogenetic location: 2q23.3.
Variant type: Deletion.
Coding change: c.9211_9218del on transcript NM_001164508.2 (MANE Select); coding-DNA positions 9211 to 9218, 8 bases deleted (AGTGACAG; older notation c.9211_9218delAGTGACAG).
Protein change: p.Ser3071fs; shifts the reading frame from serine 3071.
Molecular consequence: frameshift variant. On other transcripts: intron variant (1).
Genome position (GRCh38, 1-based): chr2:151,633,850-151,633,857, CTGTCACT deleted on the plus strand (AGTGACAG on the coding strand, the reverse complement: NEB is on the minus strand); deleting any 8 consecutive bases within chr2:151,633,850-151,633,860 gives the same sequence; the c. name uses the placement nearest the transcript's 3' end. VCF-style (leftmost placement, unchanged base first): chr2-151633849-CCTGTCACT-C. GRCh37 (hg19) VCF-style: chr2-152490363-CCTGTCACT-C.
Other names: c.9211_9218del, p.Ser3071fs (NM_001164507.2, NM_001271208.2); c.8854-2679_8854-2672del (NM_004543.5); short protein forms S3071fs.
Identifiers: ClinVar variation 2033791 (VCV002033791.4), dbSNP rs2552239867, ClinGen allele CA2580063972.
Genomic context (GRCh38, chr2:151,633,849, plus strand): 5'-CAGCATGTCCACTGGGCTGCTGAACTTGGTCTTCCACTTCTCAAAGTCCTTTTTGTACTC[CCTGTCACT>C]CTGGATCTTGGCTACGTGCATGGACCACATCATCTTGGGGTCATCTTCAATGTTCCGGGC-3'